The following is an entry in ClinVar:

ClinVar aggregate classification (germline): Uncertain significance (1 of 4 stars; one submission).

Conditions:
Cone-rod dystrophy 6 (CORD6). Also called: RETINAL CONE DYSTROPHY 2; Cone dystrophy progressive. Identifiers: Orphanet 1872, MedGen C1866293, MONDO:0011143, OMIM 601777.
Leber congenital amaurosis 1 (LCA1). Also called: Congenital absence of the rods and cones; Leber's congenital tapetoretinal degeneration; Leber's congenital tapetoretinal dysplasia; RETINAL BLINDNESS, CONGENITAL; AMAUROSIS CONGENITA OF LEBER I. Identifiers: Orphanet 65, MedGen C2931258, MONDO:0008764, OMIM 204000.

Allele frequency attached by ClinVar (database versions not stated): gnomAD 0.00001; gnomAD exomes 0.00002; TOPMed 0.00002.
gnomAD v4.1: 26 of 1,548,384 alleles (0.0017%); highest among the groups gnomAD compares: Non-Finnish European, 0.0021%; no homozygotes.

Submission:

Labcorp Genetics (formerly Invitae), Labcorp
Classification: Uncertain significance for Leber congenital amaurosis 1; Cone-rod dystrophy 6. Last evaluated: 2022-06-19. Review status: criteria provided, single submitter. Criteria: Invitae Variant Classification Sherloc (09022015). Collection method: clinical testing. Allele origin: germline.
Comment: This sequence change replaces alanine, which is neutral and non-polar, with threonine, which is neutral and polar, at codon 164 of the GUCY2D protein (p.Ala164Thr). This variant is not present in population databases (gnomAD no frequency). This variant has not been reported in the literature in individuals affected with GUCY2D-related conditions. Algorithms developed to predict the effect of missense changes on protein structure and function output the following: SIFT: "Tolerated"; PolyPhen-2: "Benign"; Align-GVGD: "Class C0". The threonine amino acid residue is found in multiple mammalian species, which suggests that this missense change does not adversely affect protein function. In summary, the available evidence is currently insufficient to determine the role of this variant in disease. Therefore, it has been classified as a Variant of Uncertain Significance.

NM_000180.4(GUCY2D):c.490G>A (p.Ala164Thr)

Gene: GUCY2D (guanylate cyclase 2D, retinal; plus strand). Cytogenetic location: 17p13.1.
Variant type: single nucleotide variant.
Coding change: c.490G>A on transcript NM_000180.4 (MANE Select); coding-DNA position 490, G replaced by A.
Protein change: p.Ala164Thr; replaces alanine 164 with threonine.
Molecular consequence: missense variant.
Genome position (GRCh38, 1-based): chr17:8,003,537, G>A. VCF-style: chr17-8003537-G-A. GRCh37 (hg19) VCF-style: chr17-7906855-G-A.
Other names: short protein forms A164T.
Identifiers: ClinVar variation 2184929 (VCV002184929.1), dbSNP rs1017653960, ClinGen allele CA287523272.